The following is an entry in ClinVar:

ClinVar aggregate classification (germline): Uncertain significance (1 of 4 stars; one submission).

Allele frequency attached by ClinVar (database versions not stated): gnomAD 0.00001; gnomAD exomes 0.00002; ExAC 0.00006.
gnomAD v4.1: 17 of 1,207,326 alleles (0.0014%); highest among the groups gnomAD compares: Non-Finnish European, 0.0013%; no homozygotes.

Submission:

GeneDx
Classification: Uncertain significance. Last evaluated: 2019-12-10. Review status: criteria provided, single submitter. Criteria: GeneDx Variant Classification Process June 2021. Collection method: clinical testing. Allele origin: germline. Affected: yes.
Comment: In silico analysis, which includes protein predictors and evolutionary conservation, supports a deleterious effect; Has not been previously published as pathogenic or benign to our knowledge

NM_181303.2(NLGN3):c.2243G>T (p.Arg748Leu)

Gene: NLGN3 (neuroligin 3; plus strand). Cytogenetic location: Xq13.1.
Variant type: single nucleotide variant.
Coding change: c.2243G>T on transcript NM_181303.2 (MANE Select); coding-DNA position 2243, G replaced by T.
Protein change: p.Arg748Leu; replaces arginine 748 with leucine.
Molecular consequence: missense variant.
Genome position (GRCh38, 1-based): chrX:71,169,793, G>T. VCF-style: chrX-71169793-G-T. GRCh37 (hg19) VCF-style: chrX-70389643-G-T.
Other names: c.2123G>T, p.Arg708Leu (NM_001166660.2); c.1832G>T, p.Arg611Leu (NM_001321276.2); c.2183G>T, p.Arg728Leu (NM_018977.4); short protein forms R611L, R708L, R728L, R748L.
Identifiers: ClinVar variation 1307319 (VCV001307319.2), dbSNP rs748757954, ClinGen allele CA10445215.